The following is an entry in ClinVar:

NM_000093.5(COL5A1):c.1502C>A (p.Pro501His)

Gene: COL5A1 (collagen type V alpha 1 chain; plus strand). Cytogenetic location: 9q34.3.
Variant type: single nucleotide variant.
Coding change: c.1502C>A on transcript NM_000093.5 (MANE Select); coding-DNA position 1502, C replaced by A.
Protein change: p.Pro501His; replaces proline 501 with histidine.
Molecular consequence: missense variant.
Genome position (GRCh38, 1-based): chr9:134,750,549, C>A. VCF-style: chr9-134750549-C-A. GRCh37 (hg19) VCF-style: chr9-137642395-C-A.
Other names: c.1502C>A, p.Pro501His (NM_001278074.1); short protein forms P501H.
Identifiers: ClinVar variation 3366639 (VCV003366639.3).

ClinVar aggregate classification (germline): Uncertain significance. Review status: criteria provided, multiple submitters, no conflicts (2 of 4 stars). 2 submissions from 2 submitters: Uncertain significance (2). Last evaluated 2024-08-22.

Conditions:
Ehlers-Danlos syndrome, classic type, 1 (EDSCL1). Also called: EHLERS-DANLOS SYNDROME, GRAVIS TYPE; EHLERS-DANLOS SYNDROME, SEVERE CLASSIC TYPE; Ehlers-Danlos syndrome, type 1; Ehlers-Danlos Syndrome, Classic Type, COL5A1-Related; EDS I. Identifiers: MedGen C0268335, MONDO:0019567, OMIM 130000.

Submissions (2):

Women's Health and Genetics/Laboratory Corporation of America, LabCorp
Classification: Uncertain significance. Last evaluated: 2024-08-22. Review status: criteria provided, single submitter. Criteria: LabCorp Variant Classification Summary - May 2015. Collection method: clinical testing. Allele origin: germline.
Comment: Variant summary: COL5A1 c.1502C>A (p.Pro501His) results in a non-conservative amino acid change located in the Thrombospondin-like, N-terminal domain (IPR048287) of the encoded protein sequence. Five of five in-silico tools predict a damaging effect of the variant on protein function. The variant was absent in 250062 control chromosomes. The available data on variant occurrences in the general population are insufficient to allow any conclusion about variant significance. To our knowledge, no occurrence of c.1502C>A in individuals affected with Ehlers-Danlos Syndrome and no experimental evidence demonstrating its impact on protein function have been reported. No submitters have cited clinical-significance assessments for this variant to ClinVar. Based on the evidence outlined above, the variant was classified as uncertain significance.

Labcorp Genetics (formerly Invitae), Labcorp
Classification: Uncertain significance for Ehlers-Danlos syndrome, classic type, 1. Last evaluated: 2024-07-06. Review status: criteria provided, single submitter. Criteria: Invitae Variant Classification Sherloc (09022015). Collection method: clinical testing. Allele origin: germline.
Comment: This sequence change replaces proline, which is neutral and non-polar, with histidine, which is basic and polar, at codon 501 of the COL5A1 protein (p.Pro501His). This variant is not present in population databases (gnomAD no frequency). This variant has not been reported in the literature in individuals affected with COL5A1-related conditions. Advanced modeling of protein sequence and biophysical properties (such as structural, functional, and spatial information, amino acid conservation, physicochemical variation, residue mobility, and thermodynamic stability) has been performed at Invitae for this missense variant, however the output from this modeling did not meet the statistical confidence thresholds required to predict the impact of this variant on COL5A1 protein function. In summary, the available evidence is currently insufficient to determine the role of this variant in disease. Therefore, it has been classified as a Variant of Uncertain Significance.